The following is an entry in ClinVar:

NM_001394062.1(MACF1):c.12667C>T (p.His4223Tyr)

Gene: MACF1 (microtubule actin crosslinking factor 1; plus strand). Cytogenetic location: 1p34.3.
Variant type: single nucleotide variant.
Coding change: c.12667C>T on transcript NM_001394062.1 (MANE Select); coding-DNA position 12667, C replaced by T.
Protein change: p.His4223Tyr; replaces histidine 4223 with tyrosine.
Molecular consequence: missense variant.
Genome position (GRCh38, 1-based): chr1:39,361,573, C>T. VCF-style: chr1-39361573-C-T. GRCh37 (hg19) VCF-style: chr1-39827245-C-T.
Other names: c.6481C>T, p.His2161Tyr (NM_012090.5); short protein forms H2161Y, H4223Y.
Identifiers: ClinVar variation 3541825 (VCV003541825.2).

ClinVar aggregate classification (germline): Uncertain significance. Review status: criteria provided, multiple submitters, no conflicts (2 of 4 stars). 2 submissions from 2 submitters: Uncertain significance (2). Last evaluated 2025-12-31.

Conditions:
Inborn genetic diseases. Identifiers: MedGen C0950123, MeSH D030342.

gnomAD v4.1: 2 of 1,614,194 alleles (0.00012%); highest among the groups gnomAD compares: Admixed American, 0.0033%; no homozygotes.

Submissions (2):

Women's Health and Genetics/Laboratory Corporation of America, LabCorp
Classification: Uncertain significance. Last evaluated: 2025-12-31. Review status: criteria provided, single submitter. Criteria: LabCorp Variant Classification Summary - May 2015. Collection method: clinical testing. Allele origin: germline.
Comment: Variant summary: MACF1 c.6481C>T (p.His2161Tyr) results in a conservative amino acid change in the encoded protein sequence. Algorithms developed to predict the effect of missense changes on protein structure and function all suggest that this variant is likely to be tolerated. The variant allele was found at a frequency of 4e-06 in 251064 control chromosomes. The available data on variant occurrences in the general population are insufficient to allow any conclusion about variant significance. To our knowledge, no occurrence of c.6481C>T in individuals affected with MACF1-related conditions and no experimental evidence demonstrating its impact on protein function have been reported. ClinVar contains an entry for this variant (Variation ID: 3541825). Based on the evidence outlined above, the variant was classified as uncertain significance.

Ambry Genetics
Classification: Uncertain significance for Inborn genetic diseases. Last evaluated: 2024-07-02. Review status: criteria provided, single submitter. Criteria: Ambry Variant Classification Scheme 2023. Collection method: clinical testing. Allele origin: germline.